The following is an entry in ClinVar:

ClinVar aggregate classification (germline): Pathogenic. Review status: criteria provided, multiple submitters, no conflicts (2 of 4 stars). 2 submissions from 2 submitters: Pathogenic (2). Last evaluated 2022-05-04.

Conditions:
Endometrial carcinoma. Also called: Endometrial carcinoma, somatic. Identifiers: MedGen C0476089, MONDO:0002447, OMIM 608089, HP:0012114.
Hereditary cancer-predisposing syndrome. Also called: Tumor predisposition; Hereditary neoplastic syndrome; Neoplastic Syndromes, Hereditary; Hereditary Cancer Syndrome. Identifiers: Orphanet 140162, MedGen C0027672, MeSH D009386, MONDO:0015356.

Submissions (2):

Mendelics
Classification: Pathogenic for Endometrial carcinoma. Last evaluated: 2022-05-04. Review status: criteria provided, single submitter. Criteria: Mendelics Assertion Criteria 2019. Collection method: clinical testing. Allele origin: germline.

Ambry Genetics
Classification: Pathogenic for Hereditary cancer-predisposing syndrome. Last evaluated: 2018-05-17. Review status: criteria provided, single submitter. Criteria: Ambry Variant Classification Scheme 2023. Collection method: clinical testing. Allele origin: germline.
Comment: The c.1185_1186delAC pathogenic mutation, located in coding exon 4 of the MSH6 gene, results from a deletion of two nucleotides at nucleotide positions 1185 to 1186, causing a translational frameshift with a predicted alternate stop codon (p.Y397Cfs*3). This alteration is expected to result in loss of function by premature protein truncation or nonsense-mediated mRNA decay. As such, this alteration is interpreted as a disease-causing mutation.

NM_000179.3(MSH6):c.1185_1186del (p.Tyr397fs)

Gene: MSH6 (mutS homolog 6; plus strand). Cytogenetic location: 2p16.3.
Variant type: Microsatellite.
Coding change: c.1185_1186del on transcript NM_000179.3 (MANE Select); coding-DNA positions 1185 to 1186, 2 bases deleted (AC; older notation c.1185_1186delAC).
Protein change: p.Tyr397fs; shifts the reading frame from tyrosine 397.
Molecular consequence: frameshift variant.
Genome position (GRCh38, 1-based): chr2:47,799,168-47,799,169, AC deleted; deleting any 2 consecutive bases within chr2:47,799,166-47,799,169 gives the same sequence; the c. name uses the placement nearest the transcript's 3' end. VCF-style (leftmost placement, unchanged base first): chr2-47799165-TAC-T. GRCh37 (hg19) VCF-style: chr2-48026304-TAC-T.
Other names: c.795_796del, p.Tyr267fs (NM_001281492.2); c.279_280del, p.Tyr95fs (NM_001281493.2, NM_001281494.2); short protein forms Y95fs, Y267fs, Y397fs.
Identifiers: ClinVar variation 818528 (VCV000818528.5), dbSNP rs1572722039, ClinGen allele CA915943807.